The following is an entry in ClinVar:

NM_152383.5(DIS3L2):c.2102C>T (p.Ser701Leu)

Gene: DIS3L2 (DIS3 like 3'-5' exoribonuclease 2; plus strand). Cytogenetic location: 2q37.1.
Variant type: single nucleotide variant.
Coding change: c.2102C>T on transcript NM_152383.5 (MANE Select); coding-DNA position 2102, C replaced by T.
Protein change: p.Ser701Leu; replaces serine 701 with leucine.
Molecular consequence: missense variant. On other transcripts: non-coding transcript variant (2), intron variant (1).
Genome position (GRCh38, 1-based): chr2:232,333,931, C>T. VCF-style: chr2-232333931-C-T. GRCh37 (hg19) VCF-style: chr2-233198641-C-T.
Other names: c.1582-9414C>T (NM_001257281.2); short protein forms S701L.
Identifiers: ClinVar variation 2024492 (VCV002024492.5), dbSNP rs2469446571, ClinGen allele CA350977484.
Genomic context (GRCh38, chr2:232,333,931, plus strand): 5'-AGGACCCAGCGCAGTTCCGGCACTACGCGCTCAATGTGCCCCTGTACACACACTTCACCT[C>T]GCCCATCCGCCGCTTTGCCGACGTCCTGGTGCACCGCCTCCTGGCTGCCGCGTTAGGTGA-3'
Protein context (NP_689596.4, residues 691-711): LNVPLYTHFT[Ser701Leu]PIRRFADVLV

ClinVar aggregate classification (germline): Uncertain significance. Review status: criteria provided, multiple submitters, no conflicts (2 of 4 stars). 2 submissions from 2 submitters: Uncertain significance (2). Last evaluated 2022-03-03.

Conditions:
Inborn genetic diseases. Identifiers: MedGen C0950123, MeSH D030342.
Perlman syndrome (PRLMNS). Identifiers: Orphanet 2849, MedGen C0796113, MONDO:0009965, OMIM 267000.

Submissions (2):

Ambry Genetics
Classification: Uncertain significance for Inborn genetic diseases. Last evaluated: 2022-03-03. Review status: criteria provided, single submitter. Criteria: Ambry Variant Classification Scheme 2023. Collection method: clinical testing. Allele origin: germline.

Labcorp Genetics (formerly Invitae), Labcorp
Classification: Uncertain significance for Perlman syndrome. Last evaluated: 2022-02-18. Review status: criteria provided, single submitter. Criteria: Invitae Variant Classification Sherloc (09022015). Collection method: clinical testing. Allele origin: germline.
Comment: In summary, the available evidence is currently insufficient to determine the role of this variant in disease. Therefore, it has been classified as a Variant of Uncertain Significance. Algorithms developed to predict the effect of missense changes on protein structure and function (SIFT, PolyPhen-2, Align-GVGD) all suggest that this variant is likely to be disruptive. This variant has not been reported in the literature in individuals affected with DIS3L2-related conditions. This variant is not present in population databases (gnomAD no frequency). This sequence change replaces serine, which is neutral and polar, with leucine, which is neutral and non-polar, at codon 701 of the DIS3L2 protein (p.Ser701Leu).